The following is an entry in ClinVar:

ClinVar aggregate classification (germline): Conflicting classifications of pathogenicity. Review status: criteria provided, conflicting classifications (1 of 4 stars). 2 submissions from 2 submitters: Uncertain significance (1); Likely benign (1). Last evaluated 2026-01-06.

Conditions:
RASopathy. Also called: rasopathies; Noonan spectrum disorder. Identifiers: Orphanet 536391, MedGen C5555857, MONDO:0021060.

gnomAD v4.1: 10 of 1,613,522 alleles (0.00062%); highest among the groups gnomAD compares: East Asian, 0.0022%; no homozygotes.

Submissions (2):

Labcorp Genetics (formerly Invitae), Labcorp
Classification: Uncertain significance for RASopathy. Last evaluated: 2026-01-06. Review status: criteria provided, single submitter. Criteria: Invitae Variant Classification Sherloc (09022015). Collection method: clinical testing. Allele origin: germline.
Comment: This sequence change affects codon 568 of the BRAF mRNA. It is a 'silent' change, meaning that it does not change the encoded amino acid sequence of the BRAF protein. This variant is present in population databases (rs199714538, gnomAD 0.007%). This variant has not been reported in the literature in individuals affected with BRAF-related conditions. Algorithms developed to predict the effect of sequence changes on RNA splicing suggest that this variant may disrupt the consensus splice site. In summary, the available evidence is currently insufficient to determine the role of this variant in disease. Therefore, it has been classified as a Variant of Uncertain Significance.

Blueprint Genetics
Classification: Likely benign. Last evaluated: 2023-12-22. Review status: criteria provided, single submitter. Criteria: ACMG Guidelines, 2015. Collection method: clinical testing. Allele origin: germline.

NM_004333.6(BRAF):c.1704C>T (p.His568=)

Gene: BRAF (B-Raf proto-oncogene, serine/threonine kinase; minus strand). Cytogenetic location: 7q34.
Variant type: single nucleotide variant.
Coding change: c.1704C>T on transcript NM_004333.6 (MANE Select); coding-DNA position 1704, C replaced by T.
Protein change: p.His568=; no amino-acid change (histidine 568 retained).
Molecular consequence: synonymous variant.
Genome position (GRCh38, 1-based): chr7:140,754,224, G>A on the plus strand (C>T on the coding strand, the complement: BRAF is on the minus strand). VCF-style: chr7-140754224-G-A. GRCh37 (hg19) VCF-style: chr7-140454024-G-A.
Other names: c.1704C>T, p.His568= (NM_001354609.2, NM_001378468.1, NM_001378474.1); c.1824C>T, p.His608= (NM_001374244.1, NM_001374258.1); c.1713C>T, p.His571= (NM_001378467.1); c.1638C>T, p.His546= (NM_001378469.1); c.1602C>T, p.His534= (NM_001378470.1); c.1593C>T, p.His531= (NM_001378471.1); c.1548C>T, p.His516= (NM_001378472.1, NM_001378473.1); c.1440C>T, p.His480= (NM_001378475.1).
Identifiers: ClinVar variation 4705370 (VCV004705370.2).